The following is an entry in ClinVar:

NM_001083614.2(EARS2):c.697G>T (p.Val233Leu)

Gene: EARS2 (glutamyl-tRNA synthetase 2, mitochondrial; minus strand). Cytogenetic location: 16p12.2.
Variant type: single nucleotide variant.
Coding change: c.697G>T on transcript NM_001083614.2 (MANE Select); coding-DNA position 697, G replaced by T.
Protein change: p.Val233Leu; replaces valine 233 with leucine.
Molecular consequence: missense variant. On other transcripts: non-coding transcript variant (1).
Genome position (GRCh38, 1-based): chr16:23,535,149, C>A on the plus strand (G>T on the coding strand, the complement: EARS2 is on the minus strand). VCF-style: chr16-23535149-C-A. GRCh37 (hg19) VCF-style: chr16-23546470-C-A.
Other names: c.697G>T, p.Val233Leu (NM_001308211.1, NM_133451.1); short protein forms V233L.
Identifiers: ClinVar variation 2062818 (VCV002062818.3), dbSNP rs754845368, ClinGen allele CA7962524.
Genomic context (GRCh38, chr16:23,535,149, plus strand): 5'-AGACGAGCCACTCAGAGCCTCGCAGCACGTGGCTGATGCCCATGTGGTGGTCGTCCACCA[C>A]GCAGGCCAGGTGGTATGTGGGGAAGCCGTCGCTCTTCATGATGACTGGGTCTCCCTCCAC-3'
Protein context (NP_001077083.1, residues 223-243): DGFPTYHLAC[Val233Leu]VDDHHMGISH

ClinVar aggregate classification (germline): Uncertain significance (1 of 4 stars; one submission).

Allele frequency attached by ClinVar (database versions not stated): ExAC 0.00001; gnomAD 0.00001.
gnomAD v4.1: 8 of 1,613,294 alleles (0.0005%); highest among the groups gnomAD compares: Non-Finnish European, 0.00068%; no homozygotes.

Submission:

Labcorp Genetics (formerly Invitae), Labcorp
Classification: Uncertain significance. Last evaluated: 2024-12-09. Review status: criteria provided, single submitter. Criteria: Invitae Variant Classification Sherloc (09022015). Collection method: clinical testing. Allele origin: germline.
Comment: This sequence change replaces valine, which is neutral and non-polar, with leucine, which is neutral and non-polar, at codon 233 of the EARS2 protein (p.Val233Leu). The frequency data for this variant in the population databases is considered unreliable, as metrics indicate poor data quality at this position in the gnomAD database. This variant has not been reported in the literature in individuals affected with EARS2-related conditions. ClinVar contains an entry for this variant (Variation ID: 2062818). Invitae Evidence Modeling of protein sequence and biophysical properties (such as structural, functional, and spatial information, amino acid conservation, physicochemical variation, residue mobility, and thermodynamic stability) indicates that this missense variant is expected to disrupt EARS2 protein function with a positive predictive value of 95%. In summary, the available evidence is currently insufficient to determine the role of this variant in disease. Therefore, it has been classified as a Variant of Uncertain Significance.